The following is an entry in ClinVar:

ClinVar aggregate classification (germline): Likely benign (0 of 4 stars; one submission).

Conditions:
TRHR-related disorder. Also called: TRHR-related condition.

Allele frequency attached by ClinVar (database versions not stated): gnomAD 0.00021; ExAC 0.00022.
gnomAD v4.1: 378 of 1,613,910 alleles (0.023%); highest among the groups gnomAD compares: Non-Finnish European, 0.024%; 1 homozygote.

Submission:

PreventionGenetics, part of Exact Sciences
Classification: Likely benign for TRHR-related condition. Last evaluated: 2019-08-06. Review status: no assertion criteria provided. Collection method: clinical testing. Allele origin: germline.
Comment: This variant is classified as likely benign based on ACMG/AMP sequence variant interpretation guidelines (Richards et al. 2015 PMID: 25741868, with internal and published modifications).

NM_003301.7(TRHR):c.708T>C (p.Asn236=)

Gene: TRHR (thyrotropin releasing hormone receptor; plus strand). Cytogenetic location: 8q23.1.
Variant type: single nucleotide variant.
Coding change: c.708T>C on transcript NM_003301.7 (MANE Select); coding-DNA position 708, T replaced by C.
Protein change: p.Asn236=; no amino-acid change (asparagine 236 retained).
Molecular consequence: synonymous variant.
Genome position (GRCh38, 1-based): chr8:109,088,220, T>C. VCF-style: chr8-109088220-T-C. GRCh37 (hg19) VCF-style: chr8-110100449-T-C.
Identifiers: ClinVar variation 3035107 (VCV003035107.2), dbSNP rs769220033, ClinGen allele CA4842846.